The following is an entry in ClinVar:

ClinVar aggregate classification (germline): Uncertain significance (1 of 4 stars; one submission).

Conditions:
Congenital sideroblastic anemia-B-cell immunodeficiency-periodic fever-developmental delay syndrome. Also called: Sideroblastic anemia with B-cell immunodeficiency, periodic fevers, and developmental delay. Identifiers: Orphanet 369861, MedGen C4015172, MONDO:0014487, OMIM 616084.

Allele frequency attached by ClinVar (database versions not stated): gnomAD exomes below 0.00001.
gnomAD v4.1: 1 of 1,614,056 alleles (0.000062%); highest among the groups gnomAD compares: Non-Finnish European, 0.000085%; no homozygotes.

Submission:

Labcorp Genetics (formerly Invitae), Labcorp
Classification: Uncertain significance for Congenital sideroblastic anemia-B-cell immunodeficiency-periodic fever-developmental delay syndrome. Last evaluated: 2021-05-10. Review status: criteria provided, single submitter. Criteria: Invitae Variant Classification Sherloc (09022015). Collection method: clinical testing. Allele origin: germline.
Comment: This sequence change replaces isoleucine with methionine at codon 78 of the TRNT1 protein (p.Ile78Met). The isoleucine residue is weakly conserved and there is a small physicochemical difference between isoleucine and methionine. This variant is not present in population databases (ExAC no frequency). This variant has not been reported in the literature in individuals with TRNT1-related conditions. Algorithms developed to predict the effect of missense changes on protein structure and function are either unavailable or do not agree on the potential impact of this missense change (SIFT: "Deleterious"; PolyPhen-2: "Possibly Damaging"; Align-GVGD: "Class C0"). In summary, the available evidence is currently insufficient to determine the role of this variant in disease. Therefore, it has been classified as a Variant of Uncertain Significance.

NM_182916.3(TRNT1):c.234A>G (p.Ile78Met)

Gene: TRNT1 (tRNA nucleotidyl transferase 1; plus strand). Cytogenetic location: 3p26.2.
Variant type: single nucleotide variant.
Coding change: c.234A>G on transcript NM_182916.3 (MANE Select); coding-DNA position 234, A replaced by G.
Protein change: p.Ile78Met; replaces isoleucine 78 with methionine.
Molecular consequence: missense variant. On other transcripts: non-coding transcript variant (8).
Genome position (GRCh38, 1-based): chr3:3,137,345, A>G. VCF-style: chr3-3137345-A-G. GRCh37 (hg19) VCF-style: chr3-3179029-A-G.
Other names: c.234A>G, p.Ile78Met (NM_001302946.2, NM_001367321.1, NM_001367322.1 and 1 more transcripts); short protein forms I78M.
Identifiers: ClinVar variation 1367269 (VCV001367269.8), dbSNP rs2126017445, ClinGen allele CA351443105.
Genomic context (GRCh38, chr3:3,137,345, plus strand): 5'-ATTAAGAATAGCAGGAGGAGCAGTGAGGGATTTATTAAATGGAGTAAAGCCTCAGGATAT[A>G]GATTTTGCCACCACTGCTACCCCTACTCAAATGAAGGAGATGTTTCAGTCGGCTGGGATT-3'
Protein context (NP_886552.3, residues 68-88): DLLNGVKPQD[Ile78Met]DFATTATPTQ